The following is an entry in ClinVar:

NM_001256012.3(MYH10):c.4582G>A (p.Glu1528Lys)

Gene: MYH10 (myosin heavy chain 10; minus strand). Cytogenetic location: 17p13.1.
Variant type: single nucleotide variant.
Coding change: c.4582G>A on transcript NM_001256012.3 (MANE Select); coding-DNA position 4582, G replaced by A.
Protein change: p.Glu1528Lys; replaces glutamic acid 1528 with lysine.
Molecular consequence: missense variant.
Genome position (GRCh38, 1-based): chr17:8,492,386, C>T on the plus strand (G>A on the coding strand, the complement: MYH10 is on the minus strand). VCF-style: chr17-8492386-C-T. GRCh37 (hg19) VCF-style: chr17-8395704-C-T.
Other names: c.4516G>A, p.Glu1506Lys (NM_001256095.2); c.4519G>A, p.Glu1507Lys (NM_001375266.1); c.4489G>A, p.Glu1497Lys (NM_005964.5); short protein forms E1497K, E1506K, E1507K, E1528K.
Identifiers: ClinVar variation 3900436 (VCV003900436.1).

ClinVar aggregate classification (germline): Uncertain significance (1 of 4 stars; one submission).

Submission:

GeneDx
Classification: Uncertain significance. Last evaluated: 2024-11-24. Review status: criteria provided, single submitter. Criteria: GeneDx Variant Classification Process June 2021. Collection method: clinical testing. Allele origin: germline. Affected: yes.
Comment: Not observed at significant frequency in large population cohorts (gnomAD); In silico analysis supports that this missense variant has a deleterious effect on protein structure/function; Has not been previously published as pathogenic or benign to our knowledge